The following is an entry in ClinVar:

NM_001130438.3(SPTAN1):c.5236A>G (p.Thr1746Ala)

Gene: SPTAN1 (spectrin alpha, non-erythrocytic 1; plus strand). Cytogenetic location: 9q34.11.
Variant type: single nucleotide variant.
Coding change: c.5236A>G on transcript NM_001130438.3 (MANE Select); coding-DNA position 5236, A replaced by G.
Protein change: p.Thr1746Ala; replaces threonine 1746 with alanine.
Molecular consequence: missense variant.
Genome position (GRCh38, 1-based): chr9:128,615,719, A>G. VCF-style: chr9-128615719-A-G. GRCh37 (hg19) VCF-style: chr9-131377998-A-G.
Other names: c.5161A>G, p.Thr1721Ala (NM_001195532.2); c.5236A>G, p.Thr1746Ala (NM_001363759.2); c.5176A>G, p.Thr1726Ala (NM_001363765.2); c.5221A>G, p.Thr1741Ala (NM_003127.4); short protein forms T1746A, T1721A, T1741A, T1726A.
Identifiers: ClinVar variation 571717 (VCV000571717.17), dbSNP rs756560952, ClinGen allele CA5265405.

ClinVar aggregate classification (germline): Benign/Likely benign. Review status: criteria provided, multiple submitters, no conflicts (2 of 4 stars). 3 submissions from 3 submitters: Benign (2); Likely benign (1). Last evaluated 2024-06-09.

Conditions:
Early-infantile DEE. Also called: Early infantile epileptic encephalopathy; Ohtahara syndrome; Early infantile epileptic encephalopathy with suppression bursts. Identifiers: Orphanet 1934, MedGen C0393706, MONDO:0800491.
Developmental and epileptic encephalopathy, 5 (DEE5). Identifiers: Orphanet 3451, MedGen C3150731, MONDO:0013277, OMIM 613477.

Allele frequency attached by ClinVar (database versions not stated): ExAC 0.00001; gnomAD exomes 0.00001 and 0.00002; TOPMed 0.00003; gnomAD 0.00007 and 0.00008.
gnomAD v4.1: 31 of 1,614,120 alleles (0.0019%); highest among the groups gnomAD compares: Admixed American, 0.02%; no homozygotes.

Submissions (3):

Labcorp Genetics (formerly Invitae), Labcorp
Classification: Benign for Early-infantile DEE. Last evaluated: 2024-06-09. Review status: criteria provided, single submitter. Criteria: Invitae Variant Classification Sherloc (09022015). Collection method: clinical testing. Allele origin: germline.

Genome-Nilou Lab
Classification: Benign for Developmental and epileptic encephalopathy, 5. Last evaluated: 2021-07-15. Review status: criteria provided, single submitter. Criteria: ACMG Guidelines, 2015. Collection method: clinical testing. Allele origin: germline. Affected: no.

GeneDx
Classification: Likely benign. Last evaluated: 2019-04-08. Review status: criteria provided, single submitter. Criteria: GeneDx Variant Classification Process June 2021. Collection method: clinical testing. Allele origin: germline. Affected: yes.
Comment: This variant is associated with the following publications: (PMID: 28492532)